The following is an entry in ClinVar:

NM_207352.4(CYP4V2):c.327+1G>A

Gene: CYP4V2 (cytochrome P450 family 4 subfamily V member 2; plus strand). Cytogenetic location: 4q35.1.
Variant type: single nucleotide variant.
Coding change: c.327+1G>A on transcript NM_207352.4 (MANE Select); the canonical splice donor site of the intron after coding-DNA position 327, G replaced by A.
Molecular consequence: splice donor variant.
Genome position (GRCh38, 1-based): chr4:186,194,613, G>A. VCF-style: chr4-186194613-G-A. GRCh37 (hg19) VCF-style: chr4-187115767-G-A.
Other names: IVS2+1G>A.
Identifiers: ClinVar variation 39262 (VCV000039262.9), dbSNP rs199476182, ClinGen allele CA343728.

ClinVar aggregate classification (germline): Pathogenic. Review status: criteria provided, single submitter (1 of 4 stars). 2 submissions from 2 submitters: Pathogenic (1). 1 of the submissions does not count toward it. Last evaluated 2021-08-20.

Conditions:
Bietti crystalline corneoretinal dystrophy (BCD). Also called: Bietti Crystalline Dystrophy; BIETTI TAPETORETINAL DEGENERATION WITH MARGINAL CORNEAL DYSTROPHY. Identifiers: Orphanet 41751, MedGen C1859486, MONDO:0008865, OMIM 210370.

Allele frequency attached by ClinVar (database versions not stated): gnomAD exomes below 0.00001.
gnomAD v4.1: 1 of 1,609,632 alleles (0.000062%); highest among the groups gnomAD compares: East Asian, 0.0022%; no homozygotes.

Submissions (2):

Labcorp Genetics (formerly Invitae), Labcorp
Classification: Pathogenic. Last evaluated: 2021-08-20. Review status: criteria provided, single submitter. Criteria: Invitae Variant Classification Sherloc (09022015). Collection method: clinical testing. Allele origin: germline.
Comment: For these reasons, this variant has been classified as Pathogenic. Algorithms developed to predict the effect of sequence changes on RNA splicing suggest that this variant may disrupt the consensus splice site. ClinVar contains an entry for this variant (Variation ID: 39262). Disruption of this splice site has been observed in individual(s) with Bietti crystalline corneoretinal dystrophy (PMID: 15042513, 27658286, 28763560). This variant is not present in population databases (ExAC no frequency). This sequence change affects a donor splice site in intron 2 of the CYP4V2 gene. It is expected to disrupt RNA splicing. Variants that disrupt the donor or acceptor splice site typically lead to a loss of protein function (PMID: 16199547), and loss-of-function variants in CYP4V2 are known to be pathogenic (PMID: 15042513, 25118264).

GeneReviews
Classification: Pathogenic for Bietti Crystalline Dystrophy. Last evaluated: 2012-04-12. Review status: no assertion criteria provided. Collection method: curation. Allele origin: unknown. Not counted in ClinVar's aggregate classification.
ClinVar note: Converted during submission from pathologic to Pathogenic.

Literature cited by the submitters: PubMed 15042513 (cited by Labcorp Genetics (formerly Invitae), Labcorp); PubMed 27658286 (cited by Labcorp Genetics (formerly Invitae), Labcorp); PubMed 28763560 (cited by Labcorp Genetics (formerly Invitae), Labcorp); PubMed 16199547 (cited by Labcorp Genetics (formerly Invitae), Labcorp); PubMed 25118264 (cited by Labcorp Genetics (formerly Invitae), Labcorp).